The following is an entry in ClinVar:

ClinVar aggregate classification (germline): Uncertain significance. Review status: criteria provided, multiple submitters, no conflicts (2 of 4 stars). 2 submissions from 2 submitters: Uncertain significance (2). Last evaluated 2025-08-29.

Conditions:
Hereditary cancer-predisposing syndrome. Also called: Hereditary Cancer Syndrome; Hereditary neoplastic syndrome; Neoplastic Syndromes, Hereditary; Tumor predisposition. Identifiers: Orphanet 140162, MedGen C0027672, MeSH D009386, MONDO:0015356.

Submissions (2):

Ambry Genetics
Classification: Uncertain significance for Hereditary cancer-predisposing syndrome. Last evaluated: 2025-08-29. Review status: criteria provided, single submitter. Criteria: Ambry Variant Classification Scheme 2023. Collection method: clinical testing. Allele origin: germline.
Comment: The p.V2119L variant (also known as c.6355G>C), located in coding exon 43 of the ATM gene, results from a G to C substitution at nucleotide position 6355. The valine at codon 2119 is replaced by leucine, an amino acid with highly similar properties. This amino acid position is conserved. In addition, this alteration is predicted to be tolerated by in silico analysis. Based on the available evidence, the clinical significance of this variant remains unclear.

CeGaT Center for Human Genetics Tuebingen
Classification: Uncertain significance. Last evaluated: 2023-05-01. Review status: criteria provided, single submitter. Criteria: CeGaT Center For Human Genetics Tuebingen Variant Classification Criteria Version 2. Collection method: clinical testing. Allele origin: germline. Affected: yes. Observed: 1 variant allele.

NM_000051.4(ATM):c.6355G>C (p.Val2119Leu)

Genes: ATM (ATM serine/threonine kinase; plus strand), C11orf65 (chromosome 11 open reading frame 65; minus strand). Cytogenetic location: 11q22.3.
Variant type: single nucleotide variant.
Coding change: c.6355G>C on transcript NM_000051.4 (MANE Select); coding-DNA position 6355, G replaced by C.
Protein change: p.Val2119Leu; replaces valine 2119 with leucine.
Molecular consequence: missense variant. On other transcripts: intron variant (2).
Genome position (GRCh38, 1-based): chr11:108,319,961, G>C. VCF-style: chr11-108319961-G-C. GRCh37 (hg19) VCF-style: chr11-108190688-G-C.
Other names: c.6355G>C, p.Val2119Leu (NM_001351834.2); c.641-10890C>G (NM_001330368.2); c.*39-10890C>G (NM_001351110.2); short protein forms V2119L.
Identifiers: ClinVar variation 2570808 (VCV002570808.25), dbSNP rs1266938537, ClinGen allele CA382553165.
Genomic context (GRCh38, chr11:108,319,961, plus strand): 5'-ATATCTTAGGGTTCTGTTTTTAAGTATATTTTTTTCTTTGACTTATCTCACAGCAAAGAA[G>C]TAGAAGGAACCAGTTACCATGAATCATTGTACAATGCTCTACAATCTCTAAGAGACAGAG-3'
Protein context (NP_000042.3, residues 2109-2129): WDHCTSVSKE[Val2119Leu]EGTSYHESLY